The following is an entry in ClinVar:

ClinVar aggregate classification (germline): Uncertain significance (1 of 4 stars; one submission).

Conditions:
BCOR-related disorder. Also called: BCOR-related disorders; BCOR-related condition.

gnomAD v4.1: 9 of 1,211,316 alleles (0.00074%); highest among the groups gnomAD compares: Non-Finnish European, 0.00045%; no homozygotes.

Submission:

PreventionGenetics, part of Exact Sciences
Classification: Uncertain significance for BCOR-related condition. Last evaluated: 2026-02-02. Review status: criteria provided, single submitter. Criteria: ACMG Guidelines, 2015. Collection method: clinical testing. Allele origin: germline.
Comment: The BCOR c.4847A>T variant is predicted to result in the amino acid substitution p.Tyr1616Phe. To our knowledge, this variant has not been reported in the literature. This variant is present in 0.0074% of alleles, including 1 hemizygote, in individuals of European (Non-Finnish) descent in gnomAD. At this time, the clinical significance of this variant is uncertain due to the absence of conclusive functional and genetic evidence.

NM_001123385.2(BCOR):c.4949A>T (p.Tyr1650Phe)

Gene: BCOR (BCL6 corepressor; minus strand). Cytogenetic location: Xp11.4.
Variant type: single nucleotide variant.
Coding change: c.4949A>T on transcript NM_001123385.2 (MANE Select); coding-DNA position 4949, A replaced by T.
Protein change: p.Tyr1650Phe; replaces tyrosine 1650 with phenylalanine.
Molecular consequence: missense variant.
Genome position (GRCh38, 1-based): chrX:40,053,913, T>A on the plus strand (A>T on the coding strand, the complement: BCOR is on the minus strand). VCF-style: chrX-40053913-T-A. GRCh37 (hg19) VCF-style: chrX-39913166-T-A.
Other names: c.4847A>T, p.Tyr1616Phe (NM_001123383.2, NM_001438208.1, NM_017745.6); c.4793A>T, p.Tyr1598Phe (NM_001123384.2); c.4949A>T, p.Tyr1650Phe (NM_001437510.1, NM_001437511.1); c.4895A>T, p.Tyr1632Phe (NM_001438207.1); short protein forms Y1598F, Y1650F, Y1616F, Y1632F.
Identifiers: ClinVar variation 4993830 (VCV004993830.1).